The following is an entry in ClinVar:

NM_000133.4(F9):c.19A>T (p.Ile7Phe)

Gene: F9 (coagulation factor IX; plus strand). Cytogenetic location: Xq27.1.
Variant type: single nucleotide variant.
Coding change: c.19A>T on transcript NM_000133.4 (MANE Select); coding-DNA position 19, A replaced by T.
Protein change: p.Ile7Phe; replaces isoleucine 7 with phenylalanine.
Molecular consequence: missense variant.
Genome position (GRCh38, 1-based): chrX:139,530,783, A>T. VCF-style: chrX-139530783-A-T. GRCh37 (hg19) VCF-style: chrX-138612942-A-T.
Other names: F9, ILE-40PHE; NM_000133.3(F9):c.19A>T; c.19A>T, p.Ile7Phe (NM_001313913.2); short protein forms I7F.
Identifiers: ClinVar variation 367997 (VCV000367997.65), dbSNP rs150190385, ClinGen allele CA10529708.

ClinVar aggregate classification (germline): Benign. Review status: reviewed by expert panel (3 of 4 stars). 11 submissions from 11 submitters: Benign (1). 10 of the submissions do not count toward it. Last evaluated 2024-02-09.

Conditions:
F9-related disorder. Also called: F9-related condition.
Thrombophilia, X-linked, due to factor 9 defect. Identifiers: MedGen C2749016, MONDO:0010432, OMIM 300807.
Warfarin sensitivity, X-linked. Also called: COUMARIN SENSITIVITY, X-LINKED. Identifiers: MedGen C5393318, OMIM 301052, MONDO:0026768.
Hereditary factor IX deficiency disease (HEMB). Also called: Hemophilia B; PLASMA THROMBOPLASTIN COMPONENT DEFICIENCY; Christmas Disease; F9 DEFICIENCY; FACTOR IX DEFICIENCY. Identifiers: Orphanet 98879, MedGen C0008533, MeSH D002836, MONDO:0010604, OMIM 306900.
F9 POLYMORPHISM.

Allele frequency attached by ClinVar (database versions not stated): 1000 Genomes Project 0.00079; 1000 Genomes Project 30x 0.00083; gnomAD 0.00086 and 0.00089; TOPMed 0.00090; ExAC 0.00092; gnomAD exomes 0.00092 and 0.00133; ESP Exome Variant Server 0.00095.
gnomAD v4.1: 1,538 of 1,209,789 alleles (0.13%); highest among the groups gnomAD compares: Non-Finnish European, 0.16%; 2 homozygotes.

Submissions (11):

ClinGen Coagulation Factor Deficiency Variant Curation Expert Panel, Clingen
Classification: Benign for Hereditary factor IX deficiency disease. Last evaluated: 2024-02-09. Review status: reviewed by expert panel. Criteria: ClinGen CoagFactor ACMG Specifications F9 V1.0.0. Collection method: curation. Allele origin: germline. Inheritance: X-linked inheritance.
Comment: NM_000133.3:c.19A>T variant results in a missense change in the signal peptide. This variant is reported at a frequency of 0.001643 (152/92537 alleles with 57 hemizygotes) in the non-Finnish European population in gnomAD v2.1.1, meeting the BA1 cut-off of >= 0.0000556. At least 2 individuals with the variant and normal FIX levels from the literature and internal laboratory data are reported (PMID: 29296726) meeting the BS2 criterion. In summary, the variant meets criteria to be classified as benign. ACMG/AMP criteria applied, as specified by the Coagulation Factor Deficiency Variant Curation Expert Panel for F9: BA1, BS2.

Labcorp Genetics (formerly Invitae), Labcorp
Classification: Benign for Thrombophilia, X-linked, due to factor 9 defect; Hereditary factor IX deficiency disease. Last evaluated: 2026-01-24. Review status: criteria provided, single submitter. Criteria: Invitae Variant Classification Sherloc (09022015). Collection method: clinical testing. Allele origin: germline. Not counted in ClinVar's aggregate classification.

CeGaT Center for Human Genetics Tuebingen
Classification: Benign. Last evaluated: 2025-03-01. Review status: criteria provided, single submitter. Criteria: CeGaT Center For Human Genetics Tuebingen Variant Classification Criteria Version 2. Collection method: clinical testing. Allele origin: germline. Affected: yes. Observed: 5 variant alleles. Not counted in ClinVar's aggregate classification.
Comment: F9: BS1, BS2

Blueprint Genetics
Classification: Likely benign. Last evaluated: 2024-11-08. Review status: criteria provided, single submitter. Criteria: ACMG Guidelines, 2015. Collection method: clinical testing. Allele origin: germline. Not counted in ClinVar's aggregate classification.

Fulgent Genetics
Classification: Likely benign for Thrombophilia, X-linked, due to factor 9 defect; Warfarin sensitivity, X-linked; Hereditary factor IX deficiency disease. Last evaluated: 2022-04-15. Review status: criteria provided, single submitter. Criteria: ACMG Guidelines, 2015. Collection method: clinical testing. Allele origin: unknown. Not counted in ClinVar's aggregate classification.

Genome-Nilou Lab
Classification: Likely benign for Hereditary factor IX deficiency disease. Last evaluated: 2021-07-14. Review status: criteria provided, single submitter. Criteria: ACMG Guidelines, 2015. Collection method: clinical testing. Allele origin: germline. Affected: no. Not counted in ClinVar's aggregate classification.

Illumina Laboratory Services, Illumina
Classification: Likely benign for Hereditary factor IX deficiency disease. Last evaluated: 2017-04-27. Review status: criteria provided, single submitter. Criteria: ICSL Variant Classification Criteria 13 December 2019. Collection method: clinical testing. Allele origin: germline. Not counted in ClinVar's aggregate classification.
Comment: This variant was observed as part of a predisposition screen in an ostensibly healthy population. A literature search was performed for the gene, cDNA change, and amino acid change (where applicable). Publications were found based on this search. The evidence from the literature, in combination with allele frequency data from public databases where available, was sufficient to determine this variant is unlikely to cause disease. Therefore, this variant is classified as likely benign.

PreventionGenetics, part of Exact Sciences
Classification: Likely benign for F9-related condition. Last evaluated: 2022-09-21. Review status: no assertion criteria provided. Collection method: clinical testing. Allele origin: germline. Not counted in ClinVar's aggregate classification.
Comment: This variant is classified as likely benign based on ACMG/AMP sequence variant interpretation guidelines (Richards et al. 2015 PMID: 25741868, with internal and published modifications).

Natera, Inc.
Classification: Likely benign for Hemophilia B. Last evaluated: 2020-01-08. Review status: no assertion criteria provided. Collection method: clinical testing. Allele origin: germline. Not counted in ClinVar's aggregate classification.

OMIM
Classification: Benign for F9 POLYMORPHISM. Last evaluated: 1989-09-01. Review status: no assertion criteria provided. Collection method: literature only. Allele origin: germline. Not counted in ClinVar's aggregate classification.

ISTH-SSC Genomics in Thrombosis and Hemostasis, KU Leuven, Center for Molecular and Vascular Biology
Classification: Uncertain significance for Hereditary factor IX deficiency disease. Review status: no assertion criteria provided. Collection method: clinical testing. Allele origin: unknown. Affected: no. Not counted in ClinVar's aggregate classification.
Comment: Submitted to GoldVariant by Bilal Jradeh from Katharine Dormandy Haemophilia and Thrombosis Centre, Royal Free Hospital, London, UK

Literature cited by the submitters: PubMed 10094553 (cited by Illumina Laboratory Services, Illumina); PubMed 8320491 (cited by Illumina Laboratory Services, Illumina); PubMed 10698280 (cited by Illumina Laboratory Services, Illumina); PubMed 2773937 (cited by OMIM).